The following is an entry in ClinVar:

NM_001374353.1(GLI2):c.4434G>C (p.Gln1478His)

Gene: GLI2 (GLI family zinc finger 2; plus strand). Cytogenetic location: 2q14.2.
Variant type: single nucleotide variant.
Coding change: c.4434G>C on transcript NM_001374353.1 (MANE Select); coding-DNA position 4434, G replaced by C.
Protein change: p.Gln1478His; replaces glutamine 1478 with histidine.
Molecular consequence: missense variant.
Genome position (GRCh38, 1-based): chr2:120,990,399, G>C. VCF-style: chr2-120990399-G-C. GRCh37 (hg19) VCF-style: chr2-121747975-G-C.
Other names: c.4485G>C, p.Gln1495His (NM_001371271.1, NM_005270.5); c.4059G>C, p.Gln1353His (NM_001374354.1); c.4485G>C (NM_005270.4); short protein forms Q1353H, Q1478H, Q1495H.
Identifiers: ClinVar variation 1716969 (VCV001716969.6), dbSNP rs1683238828, ClinGen allele CA348179821.

ClinVar aggregate classification (germline): Uncertain significance. Review status: criteria provided, multiple submitters, no conflicts (2 of 4 stars). 2 submissions from 2 submitters: Uncertain significance (2). Last evaluated 2025-09-22.

Conditions:
Inborn genetic diseases. Identifiers: MedGen C0950123, MeSH D030342.
Postaxial polydactyly-anterior pituitary anomalies-facial dysmorphism syndrome. Also called: Culler-Jones syndrome. Identifiers: Orphanet 420584, MedGen C4014479, MONDO:0014369, OMIM 615849.
Holoprosencephaly 9 (HPE9). Also called: PITUITARY ANOMALIES WITH HOLOPROSENCEPHALY-LIKE FEATURES; HOLOPROSENCEPHALY WITH MICROPHTHALMIA AND FIRST BRANCHIAL ARCH ANOMALIES. Identifiers: Orphanet 2162, MedGen C1835819, MONDO:0012563, OMIM 610829.

gnomAD v4.1: 1 of 1,614,132 alleles (0.000062%); highest among the groups gnomAD compares: African/African-American, 0.0013%; no homozygotes.

Submissions (2):

Ambry Genetics
Classification: Uncertain significance for Inborn genetic diseases. Last evaluated: 2025-09-22. Review status: criteria provided, single submitter. Criteria: Ambry Variant Classification Scheme 2023. Collection method: clinical testing. Allele origin: germline.

Labcorp Genetics (formerly Invitae), Labcorp
Classification: Uncertain significance for Postaxial polydactyly-anterior pituitary anomalies-facial dysmorphism syndrome; Holoprosencephaly 9. Last evaluated: 2022-08-19. Review status: criteria provided, single submitter. Criteria: Invitae Variant Classification Sherloc (09022015). Collection method: clinical testing. Allele origin: germline.
Comment: In summary, the available evidence is currently insufficient to determine the role of this variant in disease. Therefore, it has been classified as a Variant of Uncertain Significance. This sequence change replaces glutamine, which is neutral and polar, with histidine, which is basic and polar, at codon 1495 of the GLI2 protein (p.Gln1495His). This variant is not present in population databases (gnomAD no frequency). This variant has not been reported in the literature in individuals affected with GLI2-related conditions. Algorithms developed to predict the effect of missense changes on protein structure and function are either unavailable or do not agree on the potential impact of this missense change (SIFT: "Tolerated"; PolyPhen-2: "Probably Damaging"; Align-GVGD: "Class C0").